The following is an entry in ClinVar:

ClinVar aggregate classification (germline): Uncertain significance (1 of 4 stars; one submission).

Submission:

Labcorp Genetics (formerly Invitae), Labcorp
Classification: Uncertain significance. Last evaluated: 2022-05-27. Review status: criteria provided, single submitter. Criteria: Invitae Variant Classification Sherloc (09022015). Collection method: clinical testing. Allele origin: germline.
Comment: This variant is not present in population databases (gnomAD no frequency). In summary, the available evidence is currently insufficient to determine the role of this variant in disease. Therefore, it has been classified as a Variant of Uncertain Significance. Algorithms developed to predict the effect of missense changes on protein structure and function output the following: SIFT: "Not Available"; PolyPhen-2: "Benign"; Align-GVGD: "Not Available". The glutamine amino acid residue is found in multiple mammalian species, which suggests that this missense change does not adversely affect protein function. This variant has not been reported in the literature in individuals affected with CA4-related conditions. This sequence change replaces lysine, which is basic and polar, with glutamine, which is neutral and polar, at codon 62 of the CA4 protein (p.Lys62Gln).

NM_000717.5(CA4):c.184A>C (p.Lys62Gln)

Gene: CA4 (carbonic anhydrase 4; plus strand). Cytogenetic location: 17q23.1.
Variant type: single nucleotide variant.
Coding change: c.184A>C on transcript NM_000717.5 (MANE Select); coding-DNA position 184, A replaced by C.
Protein change: p.Lys62Gln; replaces lysine 62 with glutamine.
Molecular consequence: missense variant. On other transcripts: non-coding transcript variant (1).
Genome position (GRCh38, 1-based): chr17:60,156,631, A>C. VCF-style: chr17-60156631-A-C. GRCh37 (hg19) VCF-style: chr17-58233992-A-C.
Other names: short protein forms K62Q.
Identifiers: ClinVar variation 1914314 (VCV001914314.5), dbSNP rs367548761, ClinGen allele CA292205039.